The following is an entry in ClinVar:

ClinVar aggregate classification (germline): Uncertain significance. Review status: criteria provided, multiple submitters, no conflicts (2 of 4 stars). 2 submissions from 2 submitters: Uncertain significance (2). Last evaluated 2022-06-20.

Conditions:
Hereditary cancer-predisposing syndrome. Also called: Tumor predisposition; Hereditary Cancer Syndrome; Hereditary neoplastic syndrome; Neoplastic Syndromes, Hereditary. Identifiers: Orphanet 140162, MedGen C0027672, MeSH D009386, MONDO:0015356.
Familial adenomatous polyposis 1 (FAP1). Also called: FAMILIAL ADENOMATOUS POLYPOSIS 1, ATTENUATED; POLYPOSIS, ADENOMATOUS INTESTINAL. Identifiers: MedGen C2713442, MONDO:0021056, OMIM 175100. Disease mechanism: loss of function.

Submissions (2):

Ambry Genetics
Classification: Uncertain significance for Hereditary cancer-predisposing syndrome. Last evaluated: 2022-06-20. Review status: criteria provided, single submitter. Criteria: Ambry Variant Classification Scheme 2023. Collection method: clinical testing. Allele origin: germline.
Comment: The p.I221S variant (also known as c.662T>G), located in coding exon 6 of the APC gene, results from a T to G substitution at nucleotide position 662. The isoleucine at codon 221 is replaced by serine, an amino acid with dissimilar properties. This amino acid position is conserved. In addition, in silico predictors for this gene do not accurately predict pathogenicity. Since supporting evidence is limited at this time, the clinical significance of this alteration remains unclear.

Labcorp Genetics (formerly Invitae), Labcorp
Classification: Uncertain significance for Familial adenomatous polyposis 1. Last evaluated: 2021-07-03. Review status: criteria provided, single submitter. Criteria: Invitae Variant Classification Sherloc (09022015). Collection method: clinical testing. Allele origin: germline.
Comment: This sequence change replaces isoleucine with serine at codon 221 of the APC protein (p.Ile221Ser). The isoleucine residue is highly conserved and there is a large physicochemical difference between isoleucine and serine. In summary, the available evidence is currently insufficient to determine the role of this variant in disease. Therefore, it has been classified as a Variant of Uncertain Significance. Algorithms developed to predict the effect of missense changes on protein structure and function are either unavailable or do not agree on the potential impact of this missense change (SIFT: "Deleterious"; PolyPhen-2: "Probably Damaging"; Align-GVGD: "Class C0"). This variant has not been reported in the literature in individuals affected with APC-related conditions. This variant is not present in population databases (ExAC no frequency).

NM_000038.6(APC):c.662T>G (p.Ile221Ser)

Gene: APC (APC regulator of Wnt signaling pathway; plus strand). Cytogenetic location: 5q22.2.
Variant type: single nucleotide variant.
Coding change: c.662T>G on transcript NM_000038.6 (MANE Select); coding-DNA position 662, T replaced by G.
Protein change: p.Ile221Ser; replaces isoleucine 221 with serine.
Molecular consequence: missense variant. On other transcripts: 5 prime UTR variant (1), intron variant (2).
Genome position (GRCh38, 1-based): chr5:112,792,462, T>G. VCF-style: chr5-112792462-T-G. GRCh37 (hg19) VCF-style: chr5-112128159-T-G.
Other names: c.662T>G, p.Ile221Ser (NM_001127510.3, NM_001354895.2, NM_001354896.2 and 1 more transcripts); c.692T>G, p.Ile231Ser (NM_001354897.2, NM_001354902.2); c.587T>G, p.Ile196Ser (NM_001354898.2, NM_001354904.2); c.485T>G, p.Ile162Ser (NM_001354900.2, NM_001354901.2, NM_001354905.2); c.-374T>G (NM_001354906.2); c.676-8817T>G (NM_001127511.3); c.646-8817T>G (NM_001354899.2); short protein forms I221S, I196S, I162S, I231S.
Identifiers: ClinVar variation 1483267 (VCV001483267.10), dbSNP rs2149684143, ClinGen allele CA16022783.